The following is an entry in ClinVar:

NM_001370298.3(FGD4):c.2298_2302dup (p.Gly768fs)

Gene: FGD4 (FYVE, RhoGEF and PH domain containing 4; plus strand). Cytogenetic location: 12p11.21.
Variant type: Microsatellite.
Coding change: c.2298_2302dup on transcript NM_001370298.3 (MANE Select); coding-DNA positions 2298 to 2302, 5 bases duplicated (AAAAG; older notation c.2298_2302dupAAAAG).
Protein change: p.Gly768fs; shifts the reading frame from glycine 768.
Molecular consequence: frameshift variant.
Genome position (GRCh38, 1-based): chr12:32,633,674-32,633,678, AAAAG duplicated; duplicating any 5 consecutive bases within chr12:32,633,661-32,633,678 gives the same sequence; the c. name uses the placement nearest the transcript's 3' end. VCF-style (leftmost placement, unchanged base first): chr12-32633660-G-GAAGAA. GRCh37 (hg19) VCF-style: chr12-32786594-G-GAAGAA.
Other names: c.2132_2136AAAAG[4], p.Gly716Glufs (NM_001304481.2); c.1143_1147dup, p.Gly383fs (NM_001304483.2); c.855_859dup, p.Gly287fs (NM_001304484.2); c.1608_1612dup, p.Gly538fs (NM_001330373.2, NM_001330374.2, NM_001384130.1); c.1335_1339dup, p.Gly447fs (NM_001370297.1); c.2298_2302dup, p.Gly768fs (NM_001384126.1); c.1887_1891dup, p.Gly631fs (NM_001384127.1, NM_001384128.1, NM_001385118.1 and 1 more transcripts); c.1887_1891dupAAAAG (NM_139241.2); short protein forms G447fs, G538fs, G631fs, G287fs, G383fs, G716fs, G768fs.
Identifiers: ClinVar variation 451425 (VCV000451425.8), dbSNP rs751035912, ClinGen allele CA6507029.

ClinVar aggregate classification (germline): Pathogenic/Likely pathogenic. Review status: criteria provided, multiple submitters, no conflicts (2 of 4 stars). 3 submissions from 3 submitters: Pathogenic (2); Likely pathogenic (1). Last evaluated 2024-09-26.

Conditions:
Charcot-Marie-Tooth disease type 4. Also called: Charcot-Marie-Tooth disease, type IV; Charcot-Marie-Tooth, Type 4. Identifiers: Orphanet 64749, MedGen C4082197, MONDO:0018995.

Submissions (3):

Labcorp Genetics (formerly Invitae), Labcorp
Classification: Pathogenic for Charcot-Marie-Tooth disease type 4. Last evaluated: 2024-09-26. Review status: criteria provided, single submitter. Criteria: Invitae Variant Classification Sherloc (09022015). Collection method: clinical testing. Allele origin: germline.
Comment: This sequence change creates a premature translational stop signal (p.Gly631Glufs*5) in the FGD4 gene. It is expected to result in an absent or disrupted protein product. Loss-of-function variants in FGD4 are known to be pathogenic (PMID: 17564972). This variant is present in population databases (rs751035912, gnomAD 0.002%). This variant has not been reported in the literature in individuals affected with FGD4-related conditions. ClinVar contains an entry for this variant (Variation ID: 451425). For these reasons, this variant has been classified as Pathogenic.

GeneDx
Classification: Pathogenic. Last evaluated: 2022-10-31. Review status: criteria provided, single submitter. Criteria: GeneDx Variant Classification Process June 2021. Collection method: clinical testing. Allele origin: germline. Affected: yes.
Comment: Frameshift variant predicted to result in protein truncation or nonsense mediated decay in a gene for which loss of function is a known mechanism of disease; Not observed at significant frequency in large population cohorts (gnomAD); Has not been previously published as pathogenic or benign to our knowledge

Athena Diagnostics
Classification: Likely pathogenic. Last evaluated: 2021-01-06. Review status: criteria provided, single submitter. Criteria: Athena Diagnostics criteria. Collection method: clinical testing. Allele origin: unknown.
Comment: This variant is expected to result in the loss of a functional protein. The frequency of this variant in the general population is consistent with pathogenicity.

Literature cited by the submitters: PubMed 17564972 (cited by Labcorp Genetics (formerly Invitae), Labcorp).